The following is an entry in ClinVar:

NM_000234.3(LIG1):c.2470G>A (p.Val824Met)

Gene: LIG1 (DNA ligase 1; minus strand). Cytogenetic location: 19q13.33.
Variant type: single nucleotide variant.
Coding change: c.2470G>A on transcript NM_000234.3 (MANE Select); coding-DNA position 2470, G replaced by A.
Protein change: p.Val824Met; replaces valine 824 with methionine.
Molecular consequence: missense variant. On other transcripts: non-coding transcript variant (6).
Genome position (GRCh38, 1-based): chr19:48,117,751, C>T on the plus strand (G>A on the coding strand, the complement: LIG1 is on the minus strand). VCF-style: chr19-48117751-C-T. GRCh37 (hg19) VCF-style: chr19-48621008-C-T.
Other names: c.2377G>A, p.Val793Met (NM_001289063.2); c.2266G>A, p.Val756Met (NM_001289064.2); c.2467G>A, p.Val823Met (NM_001320970.2); c.2380G>A, p.Val794Met (NM_001320971.2); short protein forms V823M, V756M, V793M, V794M, V824M.
Identifiers: ClinVar variation 1517724 (VCV001517724.5), dbSNP rs750315980, ClinGen allele CA9546391.

ClinVar aggregate classification (germline): Uncertain significance (1 of 4 stars; one submission).

Allele frequency attached by ClinVar (database versions not stated): ExAC 0.00002.
gnomAD v4.1: 13 of 1,613,148 alleles (0.00081%); highest among the groups gnomAD compares: South Asian, 0.0044%; no homozygotes.

Submission:

Labcorp Genetics (formerly Invitae), Labcorp
Classification: Uncertain significance. Last evaluated: 2022-02-10. Review status: criteria provided, single submitter. Criteria: Invitae Variant Classification Sherloc (09022015). Collection method: clinical testing. Allele origin: germline.
Comment: This sequence change replaces valine, which is neutral and non-polar, with methionine, which is neutral and non-polar, at codon 824 of the LIG1 protein (p.Val824Met). This variant is present in population databases (rs750315980, gnomAD 0.007%). This variant has not been reported in the literature in individuals affected with LIG1-related conditions. Algorithms developed to predict the effect of missense changes on protein structure and function are either unavailable or do not agree on the potential impact of this missense change (SIFT: "Tolerated"; PolyPhen-2: "Probably Damaging"; Align-GVGD: "Class C0"). In summary, the available evidence is currently insufficient to determine the role of this variant in disease. Therefore, it has been classified as a Variant of Uncertain Significance.